The following is an entry in ClinVar:

ClinVar aggregate classification (germline): Conflicting classifications of pathogenicity. Review status: criteria provided, conflicting classifications (1 of 4 stars). 4 submissions from 4 submitters: Uncertain significance (1); Likely benign (3). Last evaluated 2026-02-11.

Conditions:
Hereditary breast ovarian cancer syndrome. Also called: BRCA1- and BRCA2-Associated Hereditary Breast and Ovarian Cancer; Hereditary breast and ovarian cancer syndrome; Hereditary breast and/or ovarian cancer syndrome; Hereditary breast and ovarian cancer; Hereditary breast and ovarian cancer syndrome (HBOC); Breast and ovarian cancer. Identifiers: Orphanet 145, MedGen C0677776, MeSH D061325, MONDO:0003582. Disease mechanism: loss of function.
Hereditary cancer-predisposing syndrome. Also called: Hereditary neoplastic syndrome; Hereditary Cancer Syndrome; Tumor predisposition; Neoplastic Syndromes, Hereditary. Identifiers: Orphanet 140162, MedGen C0027672, MeSH D009386, MONDO:0015356.

Submissions (4):

Ambry Genetics
Classification: Likely benign for Hereditary cancer-predisposing syndrome. Last evaluated: 2026-02-11. Review status: criteria provided, single submitter. Criteria: Ambry Variant Classification Scheme 2023. Collection method: clinical testing. Allele origin: germline.

Labcorp Genetics (formerly Invitae), Labcorp
Classification: Uncertain significance for Hereditary breast ovarian cancer syndrome. Last evaluated: 2026-01-07. Review status: criteria provided, single submitter. Criteria: Invitae Variant Classification Sherloc (09022015). Collection method: clinical testing. Allele origin: germline.
Comment: This sequence change replaces glutamic acid, which is acidic and polar, with aspartic acid, which is acidic and polar, at codon 849 of the BRCA1 protein (p.Glu849Asp). This variant is not present in population databases (gnomAD no frequency). This variant has not been reported in the literature in individuals affected with BRCA1-related conditions. ClinVar contains an entry for this variant (Variation ID: 1719839). Invitae Evidence Modeling of protein sequence and biophysical properties (such as structural, functional, and spatial information, amino acid conservation, physicochemical variation, residue mobility, and thermodynamic stability) indicates that this missense variant is not expected to disrupt BRCA1 protein function with a negative predictive value of 80%. In summary, the available evidence is currently insufficient to determine the role of this variant in disease. Therefore, it has been classified as a Variant of Uncertain Significance.

University of Washington Department of Laboratory Medicine, University of Washington
Classification: Likely benign for Hereditary cancer-predisposing syndrome. Last evaluated: 2023-03-23. Review status: criteria provided, single submitter. Criteria: Dines et al. (Genet Med. 2020). Collection method: curation. Allele origin: germline.
Comment: Missense variant in a coldspot region where missense variants are very unlikely to be pathogenic (PMID:31911673).

BRCA1 coldspot (exon 11 using historical exon numbering). Reclassification based on statistical prior probability

Blueprint Genetics
Classification: Likely benign. Last evaluated: 2021-06-15. Review status: criteria provided, single submitter. Criteria: ACMG Guidelines, 2015. Collection method: clinical testing. Allele origin: germline.

NM_007294.4(BRCA1):c.2547A>C (p.Glu849Asp)

Gene: BRCA1 (BRCA1 DNA repair associated; minus strand). Cytogenetic location: 17q21.31.
Variant type: single nucleotide variant.
Coding change: c.2547A>C on transcript NM_007294.4 (MANE Select); coding-DNA position 2547, A replaced by C.
Protein change: p.Glu849Asp; replaces glutamic acid 849 with aspartic acid.
Molecular consequence: missense variant. On other transcripts: intron variant (137).
Genome position (GRCh38, 1-based): chr17:43,092,984, T>G on the plus strand (A>C on the coding strand, the complement: BRCA1 is on the minus strand). VCF-style: chr17-43092984-T-G. GRCh37 (hg19) VCF-style: chr17-41245001-T-G.
Other names: c.2403A>C, p.Glu801Asp (NM_001407741.1, NM_001407742.1, NM_001407743.1 and 20 more transcripts); c.2406A>C, p.Glu802Asp (NM_001407750.1, NM_001407751.1, NM_001407752.1 and 29 more transcripts); c.2334A>C, p.Glu778Asp (NM_001407853.1, NM_001407894.1, NM_001407895.1 and 9 more transcripts); c.2547A>C, p.Glu849Asp (NM_001407854.1, NM_001407858.1, NM_001407859.1 and 30 more transcripts); c.2544A>C, p.Glu848Asp (NM_001407860.1, NM_001407861.1, NM_001407587.1 and 22 more transcripts); c.2346A>C, p.Glu782Asp (NM_001407862.1); c.2424A>C, p.Glu808Asp (NM_001407863.1, NM_001407919.1, NM_001407937.1 and 19 more transcripts); c.2343A>C, p.Glu781Asp (NM_001407874.1, NM_001407875.1); and 41 more; short protein forms E553D, E681D, E721D, E722D, E737D, E738D, E760D, E761D.
Identifiers: ClinVar variation 1719839 (VCV001719839.10), dbSNP rs2154371845, ClinGen allele CA10596900.